The following is an entry in ClinVar:

NM_001382391.1(CSPP1):c.3395T>C (p.Val1132Ala)

Genes: ARFGEF1 (ARF guanine nucleotide exchange factor 1; minus strand), CSPP1 (centrosome and spindle pole associated protein 1; plus strand). Cytogenetic location: 8q13.2.
Variant type: single nucleotide variant.
Coding change: c.3395T>C on transcript NM_001382391.1 (MANE Select); coding-DNA position 3395, T replaced by C.
Protein change: p.Val1132Ala; replaces valine 1132 with alanine.
Molecular consequence: missense variant. On other transcripts: intron variant (3).
Genome position (GRCh38, 1-based): chr8:67,193,528, T>C. VCF-style: chr8-67193528-T-C. GRCh37 (hg19) VCF-style: chr8-68105763-T-C.
Other names: c.2345T>C, p.Val782Ala (NM_001291339.2); c.3314T>C, p.Val1105Ala (NM_001363131.2); c.3200T>C, p.Val1067Ala (NM_001363132.2); c.3119T>C, p.Val1040Ala (NM_001363133.2); c.3461T>C, p.Val1154Ala (NM_001364869.1); c.3281T>C, p.Val1094Ala (NM_001364870.1); c.3227T>C, p.Val1076Ala (NM_001438330.1); c.2696T>C, p.Val899Ala (NM_001438332.1); and 4 more; short protein forms V1127A, V1132A, V1154A, V782A, V1040A, V1067A, V1094A, V1105A.
Identifiers: ClinVar variation 2798588 (VCV002798588.3), dbSNP rs1837011607, ClinGen allele CA371203047.

ClinVar aggregate classification (germline): Uncertain significance (1 of 4 stars; one submission).

Conditions:
Joubert syndrome 21 (JBTS21). Identifiers: MedGen C3810212, MONDO:0014288, OMIM 615636.

Allele frequency attached by ClinVar (database versions not stated): gnomAD exomes below 0.00001.
gnomAD v4.1: 4 of 1,612,900 alleles (0.00025%); highest among the groups gnomAD compares: Middle Eastern, 0.017%; no homozygotes.

Submission:

Labcorp Genetics (formerly Invitae), Labcorp
Classification: Uncertain significance for Joubert syndrome 21. Last evaluated: 2023-05-16. Review status: criteria provided, single submitter. Criteria: Invitae Variant Classification Sherloc (09022015). Collection method: clinical testing. Allele origin: germline.
Comment: An algorithm developed to predict the effect of missense changes on protein structure and function (PolyPhen-2) suggests that this variant is likely to be tolerated. This variant has not been reported in the literature in individuals affected with CSPP1-related conditions. This variant is not present in population databases (gnomAD no frequency). This sequence change replaces valine, which is neutral and non-polar, with alanine, which is neutral and non-polar, at codon 1127 of the CSPP1 protein (p.Val1127Ala). In summary, the available evidence is currently insufficient to determine the role of this variant in disease. Therefore, it has been classified as a Variant of Uncertain Significance.